The following is an entry in ClinVar:

ClinVar aggregate classification (germline): Uncertain significance. Review status: criteria provided, multiple submitters, no conflicts (2 of 4 stars). 2 submissions from 2 submitters: Uncertain significance (2). Last evaluated 2022-05-19.

Conditions:
Joubert syndrome 17 (JBTS17). Identifiers: Orphanet 475, MedGen C3553264, MONDO:0013824, OMIM 614615.
Orofaciodigital syndrome type 6 (OFD6). Also called: OROFACIODIGITAL SYNDROME VI; OFDS VI; POLYDACTYLY, CLEFT LIP/PALATE OR LINGUAL LUMP, AND PSYCHOMOTOR RETARDATION; VARADI SYNDROME; VARADI-PAPP SYNDROME; Oral-facial-digital syndrome type 6. Identifiers: Orphanet 2754, MedGen C2745997, MONDO:0010176, OMIM 277170.

Allele frequency attached by ClinVar (database versions not stated): gnomAD 0.00001; gnomAD exomes 0.00001; 1000 Genomes Project 30x 0.00016.
gnomAD v4.1: 11 of 1,551,176 alleles (0.00071%); highest among the groups gnomAD compares: South Asian, 0.0024%; no homozygotes.

Submissions (2):

Fulgent Genetics
Classification: Uncertain significance for Orofaciodigital syndrome type 6; Joubert syndrome 17. Last evaluated: 2022-05-19. Review status: criteria provided, single submitter. Criteria: ACMG Guidelines, 2015. Collection method: clinical testing. Allele origin: unknown.

GeneDx
Classification: Uncertain significance. Last evaluated: 2019-09-03. Review status: criteria provided, single submitter. Criteria: GeneDx Variant Classification Process June 2021. Collection method: clinical testing. Allele origin: germline. Affected: yes.
Comment: Not observed at a significant frequency in large population cohorts (Lek et al., 2016); In silico analysis, which includes protein predictors and evolutionary conservation, supports a deleterious effect; Has not been previously published as pathogenic or benign to our knowledge

NM_001384732.1(CPLANE1):c.2939T>C (p.Ile980Thr)

Gene: CPLANE1 (ciliogenesis and planar polarity effector complex subunit 1; minus strand). Cytogenetic location: 5p13.2.
Variant type: single nucleotide variant.
Coding change: c.2939T>C on transcript NM_001384732.1 (MANE Select); coding-DNA position 2939, T replaced by C.
Protein change: p.Ile980Thr; replaces isoleucine 980 with threonine.
Molecular consequence: missense variant.
Genome position (GRCh38, 1-based): chr5:37,206,407, A>G on the plus strand (T>C on the coding strand, the complement: CPLANE1 is on the minus strand). VCF-style: chr5-37206407-A-G. GRCh37 (hg19) VCF-style: chr5-37206509-A-G.
Other names: c.2939T>C, p.Ile980Thr (NM_023073.4); short protein forms I980T.
Identifiers: ClinVar variation 1195708 (VCV001195708.3), dbSNP rs1160747089, ClinGen allele CA359517685.